The following is an entry in ClinVar:

NM_000489.6(ATRX):c.2695A>G (p.Thr899Ala)

Gene: ATRX (ATRX chromatin remodeler; minus strand). Cytogenetic location: Xq21.1.
Variant type: single nucleotide variant.
Coding change: c.2695A>G on transcript NM_000489.6 (MANE Select); coding-DNA position 2695, A replaced by G.
Protein change: p.Thr899Ala; replaces threonine 899 with alanine.
Molecular consequence: missense variant.
Genome position (GRCh38, 1-based): chrX:77,682,561, T>C on the plus strand (A>G on the coding strand, the complement: ATRX is on the minus strand). VCF-style: chrX-77682561-T-C. GRCh37 (hg19) VCF-style: chrX-76938053-T-C.
Other names: c.2581A>G, p.Thr861Ala (NM_138270.5); short protein forms T861A, T899A.
Identifiers: ClinVar variation 864311 (VCV000864311.11), dbSNP rs2071278709, ClinGen allele CA413710938.
Genomic context (GRCh38, chrX:77,682,561, plus strand): 5'-CAGTGGAAGCACTTGCTTGCTGCTTCTTAGGAAGTCGATCTCTTAATTCCATGATGGTCG[T>C]GTCTTTATCAACTGTGCCTTCTGCTGAAGAGAAAGTCTCTCTCTCTTGTTTTCTTTCAGC-3'
Protein context (NP_000480.3, residues 889-909): SSAEGTVDKD[Thr899Ala]TIMELRDRLP

ClinVar aggregate classification (germline): Uncertain significance. Review status: criteria provided, single submitter (1 of 4 stars). 2 submissions from 2 submitters: Uncertain significance (1). 1 of the submissions does not count toward it. Last evaluated 2021-09-01.

Conditions:
Alpha thalassemia-X-linked intellectual disability syndrome (ATRX). Also called: ATR-X syndrome; Alpha thalassemia mental retardation syndrome, nondeletion type, X-linked; XLMR hypotonic face syndrome; ALPHA-THALASSEMIA/IMPAIRED INTELLECTUAL DEVELOPMENT SYNDROME, X-LINKED; ALPHA-THALASSEMIA/MENTAL RETARDATION SYNDROME, X-LINKED; ATR, NONDELETION TYPE. Identifiers: Orphanet 847, MedGen C1845055, MONDO:0010519, OMIM 301040.

Allele frequency attached by ClinVar (database versions not stated): gnomAD 0.00001; gnomAD exomes 0.00002; TOPMed below 0.00001.
gnomAD v4.1: 24 of 1,209,579 alleles (0.002%); highest among the groups gnomAD compares: East Asian, 0.071%; no homozygotes.

Submissions (2):

Labcorp Genetics (formerly Invitae), Labcorp
Classification: Uncertain significance for Alpha thalassemia-X-linked intellectual disability syndrome. Last evaluated: 2021-09-01. Review status: criteria provided, single submitter. Criteria: Invitae Variant Classification Sherloc (09022015). Collection method: clinical testing. Allele origin: germline.
Comment: This sequence change replaces threonine with alanine at codon 899 of the ATRX protein (p.Thr899Ala). The threonine residue is weakly conserved and there is a small physicochemical difference between threonine and alanine. This variant is not present in population databases (ExAC no frequency). This variant has not been reported in the literature in individuals affected with ATRX-related conditions. Algorithms developed to predict the effect of missense changes on protein structure and function (SIFT, PolyPhen-2, Align-GVGD) all suggest that this variant is likely to be tolerated. In summary, the available evidence is currently insufficient to determine the role of this variant in disease. Therefore, it has been classified as a Variant of Uncertain Significance.

Natera, Inc.
Classification: Uncertain significance for X-linked alpha-thalassemia-mental retardation syndrome. Last evaluated: 2020-08-10. Review status: no assertion criteria provided. Collection method: clinical testing. Allele origin: germline. Not counted in ClinVar's aggregate classification.